The following is an entry in ClinVar:

NM_001849.4(COL6A2):c.2407G>A (p.Asp803Asn)

Gene: COL6A2 (collagen type VI alpha 2 chain; plus strand). Cytogenetic location: 21q22.3.
Variant type: single nucleotide variant.
Coding change: c.2407G>A on transcript NM_001849.4 (MANE Select); coding-DNA position 2407, G replaced by A.
Protein change: p.Asp803Asn; replaces aspartic acid 803 with asparagine.
Molecular consequence: missense variant.
Genome position (GRCh38, 1-based): chr21:46,126,222, G>A. VCF-style: chr21-46126222-G-A. GRCh37 (hg19) VCF-style: chr21-47546136-G-A.
Other names: c.2407G>A, p.Asp803Asn (NM_058174.3, NM_058175.3); short protein forms D803N.
Identifiers: ClinVar variation 476468 (VCV000476468.15), dbSNP rs761913437, ClinGen allele CA10072551.

ClinVar aggregate classification (germline): Conflicting classifications of pathogenicity. Review status: criteria provided, conflicting classifications (1 of 4 stars). 4 submissions from 4 submitters: Uncertain significance (2); Likely benign (1). 1 of the submissions does not count toward it. Last evaluated 2025-09-09.

Conditions:
Bethlem myopathy 1A. Also called: Bethlem myopathy 1; MYOPATHY, BENIGN CONGENITAL, WITH CONTRACTURES; Bethlem Muscular Dystrophy. Identifiers: Orphanet 610, MedGen CN029274, MONDO:0024530, OMIM 158810.
COL6A2-related disorder.
Inborn genetic diseases. Identifiers: MedGen C0950123, MeSH D030342.

Allele frequency attached by ClinVar (database versions not stated): gnomAD 0.00004 and 0.00005; gnomAD exomes 0.00006 and 0.00008; TOPMed 0.00006; ExAC 0.00007.
gnomAD v4.1: 123 of 1,599,584 alleles (0.0077%); highest among the groups gnomAD compares: Middle Eastern, 0.21%; no homozygotes.

Submissions (4):

Labcorp Genetics (formerly Invitae), Labcorp
Classification: Likely benign for Bethlem myopathy 1A. Last evaluated: 2025-09-09. Review status: criteria provided, single submitter. Criteria: Invitae Variant Classification Sherloc (09022015). Collection method: clinical testing. Allele origin: germline.

Ambry Genetics
Classification: Uncertain significance for Inborn genetic diseases. Last evaluated: 2025-09-04. Review status: criteria provided, single submitter. Criteria: Ambry Variant Classification Scheme 2023. Collection method: clinical testing. Allele origin: germline.

Breakthrough Genomics
Classification: Uncertain significance. Review status: criteria provided, single submitter. Criteria: ACMG Guidelines, 2015. Collection method: not provided. Allele origin: germline. Inheritance: Autosomal dominant inheritance. Affected: yes.

PreventionGenetics, part of Exact Sciences
Classification: Uncertain significance for COL6A2-related condition. Last evaluated: 2024-04-08. Review status: no assertion criteria provided. Collection method: clinical testing. Allele origin: germline. Not counted in ClinVar's aggregate classification.
Comment: The COL6A2 c.2407G>A variant is predicted to result in the amino acid substitution p.Asp803Asn. To our knowledge, this variant has not been reported in the literature. This variant is reported in 0.010% of alleles in individuals of East Asian descent in gnomAD. At this time, the clinical significance of this variant is uncertain due to the absence of conclusive functional and genetic evidence.